The following is an entry in ClinVar:

ClinVar aggregate classification (germline): Benign/Likely benign. Review status: criteria provided, multiple submitters, no conflicts (2 of 4 stars). 3 submissions from 3 submitters: Benign (2); Likely benign (1). Last evaluated 2025-11-03.

Allele frequency attached by ClinVar (database versions not stated): gnomAD exomes 0.00028; ExAC 0.00037; ESP Exome Variant Server 0.00066; 1000 Genomes Project 0.00100; 1000 Genomes Project 30x 0.00109; gnomAD 0.00110; TOPMed 0.00174.
gnomAD v4.1: 578 of 1,551,058 alleles (0.037%); highest among the groups gnomAD compares: Middle Eastern, 0.29%; 3 homozygotes.

Submissions (3):

Labcorp Genetics (formerly Invitae), Labcorp
Classification: Benign. Last evaluated: 2025-11-03. Review status: criteria provided, single submitter. Criteria: Invitae Variant Classification Sherloc (09022015). Collection method: clinical testing. Allele origin: germline.

Blueprint Genetics
Classification: Likely benign. Last evaluated: 2024-10-22. Review status: criteria provided, single submitter. Criteria: ACMG Guidelines, 2015. Collection method: clinical testing. Allele origin: germline.

CeGaT Center for Human Genetics Tuebingen
Classification: Benign. Last evaluated: 2023-04-01. Review status: criteria provided, single submitter. Criteria: CeGaT Center For Human Genetics Tuebingen Variant Classification Criteria Version 2. Collection method: clinical testing. Allele origin: germline. Affected: yes. Observed: 1 variant allele.
Comment: GREB1L: BP4, BS1, BS2

NM_001142966.3(GREB1L):c.2690+8G>A

Gene: GREB1L (GREB1 like retinoic acid receptor coactivator; plus strand). Cytogenetic location: 18q11.1.
Variant type: single nucleotide variant.
Coding change: c.2690+8G>A on transcript NM_001142966.3 (MANE Select); 8 bases into the intron after coding-DNA position 2690, G replaced by A.
Molecular consequence: intron variant.
Genome position (GRCh38, 1-based): chr18:21,485,761, G>A. VCF-style: chr18-21485761-G-A. GRCh37 (hg19) VCF-style: chr18-19065722-G-A.
Identifiers: ClinVar variation 2041400 (VCV002041400.29), dbSNP rs182209656, ClinGen allele CA8906517.